The following is an entry in ClinVar:

NC_000002.12:g.(?_47783224)_(47791133_?)del

Genes: MSH6 (mutS homolog 6; plus strand), LOC129933707 (ATAC-STARR-seq lymphoblastoid silent region 11468; plus strand), LOC129933708 (ATAC-STARR-seq lymphoblastoid silent region 11469; plus strand). Cytogenetic location: 2p16.3.
Variant type: Deletion.
Identifiers: ClinVar variation 663411 (VCV000663411.1).

ClinVar aggregate classification (germline): Pathogenic (1 of 4 stars; one submission).

Conditions:
Hereditary nonpolyposis colorectal neoplasms. Identifiers: MedGen C0009405, MeSH D003123.

Submission:

Labcorp Genetics (formerly Invitae), Labcorp
Classification: Pathogenic for Hereditary nonpolyposis colon cancer. Last evaluated: 2018-08-30. Review status: criteria provided, single submitter. Criteria: Invitae Variant Classification Sherloc (09022015). Collection method: clinical testing. Allele origin: germline.
Comment: This variant is a gross deletion of the genomic region encompassing exons 1-2 of the MSH6 gene, which includes the initiator codon. The 5' end of this event is unknown as it extends beyond the assayed region for this gene and therefore may encompass additional genes. The 3' boundary is likely confined to intron 2 of the MSH6 gene. This is expected to result in an absent or disrupted protein product. Gross deletions in MSH6 are known to be pathogenic. Several deletions encompassing exons 1-2 have been reported in the literature in individuals affected with Lynch syndrome (PMID:Â¬â€ 17117178,Â¬â€ 20591884,Â¬â€ 22691310, 15942939). For these reasons, this variant has been classified as Pathogenic.